The following is an entry in ClinVar:

NM_019616.4(F7):c.185T>C (p.Phe62Ser)

Gene: F7 (coagulation factor VII; plus strand). Cytogenetic location: 13q34.
Variant type: single nucleotide variant.
Coding change: c.185T>C on transcript NM_019616.4 (MANE Select); coding-DNA position 185, T replaced by C.
Protein change: p.Phe62Ser; replaces phenylalanine 62 with serine.
Molecular consequence: missense variant. On other transcripts: non-coding transcript variant (1), intron variant (1).
Genome position (GRCh38, 1-based): chr13:113,110,810, T>C. VCF-style: chr13-113110810-T-C. GRCh37 (hg19) VCF-style: chr13-113765124-T-C.
Other names: c.251T>C, p.Phe84Ser (NM_000131.5); c.65-3037T>C (NM_001267554.2); short protein forms F62S, F84S.
Identifiers: ClinVar variation 2573369 (VCV002573369.1), dbSNP rs2036077301, ClinGen allele CA388781169.
Genomic context (GRCh38, chr13:113,110,810, plus strand): 5'-TCCTGGAGGAGCTGCGGCCGGGCTCCCTGGAGAGGGAGTGCAAGGAGGAGCAGTGCTCCT[T>C]CGAGGAGGCCCGGGAGATCTTCAAGGACGCGGAGAGGACGGTGAGCCCAGCCTCGGGGCG-3'
Protein context (NP_062562.1, residues 52-72): ERECKEEQCS[Phe62Ser]EEAREIFKDA

ClinVar aggregate classification (germline): Uncertain significance (1 of 4 stars; one submission).

gnomAD v4.1: 1 of 1,558,604 alleles (0.000064%); no homozygotes.

Submission:

Women's Health and Genetics/Laboratory Corporation of America, LabCorp
Classification: Uncertain significance. Last evaluated: 2023-06-21. Review status: criteria provided, single submitter. Criteria: LabCorp Variant Classification Summary - May 2015. Collection method: clinical testing. Allele origin: germline.
Comment: Variant summary: F7 c.251T>C (p.Phe84Ser) results in a non-conservative amino acid change located in the Gamma-carboxyglutamic acid-rich (GLA) domain (IPR000294) of the encoded protein sequence. Three of five in-silico tools predict a damaging effect of the variant on protein function. The variant was absent in 165890 control chromosomes (gnomAD). The available data on variant occurrences in the general population are insufficient to allow any conclusion about variant significance. c.251T>C has been reported in the literature in at least one compound heterozygous individual affected with Congenital factor VII deficiency (example: Zhang_2021). These data do not allow any conclusion about variant significance. To our knowledge, no experimental evidence demonstrating an impact on protein function has been reported. The following publication has been ascertained in the context of this evaluation (PMID: 34342048). No submitters have cited clinical-significance assessments for this variant to ClinVar after 2014. Based on the evidence outlined above, the variant was classified as uncertain significance.

Literature cited by the submitters: PubMed 34342048.